The following is an entry in ClinVar:

ClinVar aggregate classification (germline): Benign/Likely benign. Review status: criteria provided, multiple submitters, no conflicts (2 of 4 stars). 5 submissions from 5 submitters: Benign (1); Likely benign (4). Last evaluated 2026-05-11.

Conditions:
ACO2-related disorder. Also called: ACO2-Related Disorders.

Allele frequency attached by ClinVar (database versions not stated): gnomAD 0.00004 and 0.00007; TOPMed 0.00005; 1000 Genomes Project 30x 0.00062; 1000 Genomes Project 0.00080.
gnomAD v4.1: 83 of 1,614,144 alleles (0.0051%); highest among the groups gnomAD compares: Middle Eastern, 0.18%; 1 homozygote.

Submissions (5):

PreventionGenetics, part of Exact Sciences
Classification: Likely benign for ACO2-related condition. Last evaluated: 2026-05-11. Review status: criteria provided, single submitter. Criteria: ACMG Guidelines, 2015. Collection method: clinical testing. Allele origin: germline.
Comment: This variant is classified as likely benign based on ACMG/AMP sequence variant interpretation guidelines (Richards et al. 2015 PMID: 25741868, with internal and published modifications).

Labcorp Genetics (formerly Invitae), Labcorp
Classification: Likely benign. Last evaluated: 2025-12-30. Review status: criteria provided, single submitter. Criteria: Invitae Variant Classification Sherloc (09022015). Collection method: clinical testing. Allele origin: germline.

Women's Health and Genetics/Laboratory Corporation of America, LabCorp
Classification: Likely benign. Last evaluated: 2024-12-23. Review status: criteria provided, single submitter. Criteria: LabCorp Variant Classification Summary - May 2015. Collection method: clinical testing. Allele origin: germline.

Blueprint Genetics
Classification: Likely benign. Last evaluated: 2024-10-16. Review status: criteria provided, single submitter. Criteria: ACMG Guidelines, 2015. Collection method: clinical testing. Allele origin: germline.

GeneDx
Classification: Benign. Last evaluated: 2015-06-30. Review status: criteria provided, single submitter. Criteria: GeneDx Variant Classification (06012015). Collection method: clinical testing. Allele origin: germline. Affected: yes.
Comment: This variant is considered likely benign or benign based on one or more of the following criteria: it is a conservative change, it occurs at a poorly conserved position in the protein, it is predicted to be benign by multiple in silico algorithms, and/or has population frequency not consistent with disease.

NM_001098.3(ACO2):c.120C>T (p.Asn40=)

Gene: ACO2 (aconitase 2; plus strand). Cytogenetic location: 22q13.2.
Variant type: single nucleotide variant.
Coding change: c.120C>T on transcript NM_001098.3 (MANE Select); coding-DNA position 120, C replaced by T.
Protein change: p.Asn40=; no amino-acid change (asparagine 40 retained).
Molecular consequence: synonymous variant.
Genome position (GRCh38, 1-based): chr22:41,499,809, C>T. VCF-style: chr22-41499809-C-T. GRCh37 (hg19) VCF-style: chr22-41895813-C-T.
Identifiers: ClinVar variation 377424 (VCV000377424.13), dbSNP rs138241206, ClinGen allele CA10257284.
Genomic context (GRCh38, chr22:41,499,809, plus strand): 5'-CCATGTGGCCTCAGTCCTGTGCCAACGGGCCAAGGTGGCGATGAGCCACTTTGAGCCCAA[C>T]GAGTACATCCATTATGACCTGCTAGAGAAGAACATTAACATTGTTCGCAAACGGTAAGGC-3'
Protein context (NP_001089.1, residues 30-50): AKVAMSHFEP[Asn40=]EYIHYDLLEK